The following is an entry in ClinVar:

ClinVar aggregate classification (germline): Uncertain significance (1 of 4 stars; one submission).

Allele frequency attached by ClinVar (database versions not stated): TOPMed 0.00001; ExAC 0.00003; gnomAD exomes 0.00004.
gnomAD v4.1: 57 of 1,613,474 alleles (0.0035%); highest among the groups gnomAD compares: East Asian, 0.0067%; no homozygotes.

Submission:

Labcorp Genetics (formerly Invitae), Labcorp
Classification: Uncertain significance. Last evaluated: 2022-08-10. Review status: criteria provided, single submitter. Criteria: Invitae Variant Classification Sherloc (09022015). Collection method: clinical testing. Allele origin: germline.
Comment: This sequence change replaces threonine, which is neutral and polar, with methionine, which is neutral and non-polar, at codon 836 of the ARFGEF2 protein (p.Thr836Met). This variant is present in population databases (rs201993253, gnomAD 0.01%). This variant has not been reported in the literature in individuals affected with ARFGEF2-related conditions. Algorithms developed to predict the effect of missense changes on protein structure and function (SIFT, PolyPhen-2, Align-GVGD) all suggest that this variant is likely to be tolerated. In summary, the available evidence is currently insufficient to determine the role of this variant in disease. Therefore, it has been classified as a Variant of Uncertain Significance.

NM_006420.3(ARFGEF2):c.2507C>T (p.Thr836Met)

Gene: ARFGEF2 (ARF guanine nucleotide exchange factor 2; plus strand). Cytogenetic location: 20q13.13.
Variant type: single nucleotide variant.
Coding change: c.2507C>T on transcript NM_006420.3 (MANE Select); coding-DNA position 2507, C replaced by T.
Protein change: p.Thr836Met; replaces threonine 836 with methionine.
Molecular consequence: missense variant.
Genome position (GRCh38, 1-based): chr20:48,988,636, C>T. VCF-style: chr20-48988636-C-T. GRCh37 (hg19) VCF-style: chr20-47605173-C-T.
Other names: c.2504C>T, p.Thr835Met (NM_001410846.1); short protein forms T836M, T835M.
Identifiers: ClinVar variation 2179148 (VCV002179148.1), dbSNP rs201993253, ClinGen allele CA9898650.